The following is an entry in ClinVar:

ClinVar aggregate classification (germline): Uncertain significance (1 of 4 stars; one submission).

Conditions:
Cardiovascular phenotype. Identifiers: MedGen CN230736.

Submission:

Ambry Genetics
Classification: Uncertain significance for Cardiovascular phenotype. Last evaluated: 2021-11-04. Review status: criteria provided, single submitter. Criteria: Ambry Variant Classification Scheme 2023. Collection method: clinical testing. Allele origin: germline.
Comment: The p.D610G variant (also known as c.1829A>G), located in coding exon 8 of the ALMS1 gene, results from an A to G substitution at nucleotide position 1829. The aspartic acid at codon 610 is replaced by glycine, an amino acid with similar properties. This amino acid position is well conserved in available vertebrate species. In addition, this alteration is predicted to be tolerated by in silico analysis. Since supporting evidence is limited at this time, the clinical significance of this alteration remains unclear.

NM_001378454.1(ALMS1):c.1826A>G (p.Asp609Gly)

Gene: ALMS1 (ALMS1 centrosome and basal body associated protein; plus strand). Cytogenetic location: 2p13.1.
Variant type: single nucleotide variant.
Coding change: c.1826A>G on transcript NM_001378454.1 (MANE Select); coding-DNA position 1826, A replaced by G.
Protein change: p.Asp609Gly; replaces aspartic acid 609 with glycine.
Molecular consequence: missense variant.
Genome position (GRCh38, 1-based): chr2:73,448,353, A>G. VCF-style: chr2-73448353-A-G. GRCh37 (hg19) VCF-style: chr2-73675480-A-G.
Other names: c.1829A>G, p.Asp610Gly (NM_015120.4); short protein forms D609G, D610G.
Identifiers: ClinVar variation 1780896 (VCV001780896.2), dbSNP rs1340605918, ClinGen allele CA347265524.